The following is an entry in ClinVar:

NM_177438.3(DICER1):c.735-18T>C

Gene: DICER1 (dicer 1, ribonuclease III; minus strand). Cytogenetic location: 14q32.13.
Variant type: single nucleotide variant.
Coding change: c.735-18T>C on transcript NM_177438.3 (MANE Select); 18 bases into the intron before coding-DNA position 735, T replaced by C.
Molecular consequence: intron variant.
Genome position (GRCh38, 1-based): chr14:95,126,766, A>G on the plus strand (T>C on the coding strand, the complement: DICER1 is on the minus strand). VCF-style: chr14-95126766-A-G. GRCh37 (hg19) VCF-style: chr14-95593103-A-G.
Other names: c.735-18T>C (NM_001291628.2, NM_030621.4, NM_001395677.1 and 14 more transcripts); c.330-18T>C (NM_001395690.1, NM_001395687.1, NM_001395689.1 and 3 more transcripts); c.453-18T>C (NM_001395686.1); c.168-18T>C (NM_001395691.1); c.-834-18T>C (NM_001395697.1).
Identifiers: ClinVar variation 2047385 (VCV002047385.5), dbSNP rs1276484192, ClinGen allele CA710136314.
Genomic context (GRCh38, chr14:95,126,766, plus strand): 5'-TGGTCCACAATCCACCACAATCTCACATGGCTGAGAAGTATACCTTTAACATAAGAAACA[A>G]AAGGTATCAATACTGCAGTAGTGAGAATGCAATTTAAAAAAAGTTTTTCAAAAAGCAAAA-3'

ClinVar aggregate classification (germline): Likely benign. Review status: criteria provided, multiple submitters, no conflicts (2 of 4 stars). 2 submissions from 2 submitters: Likely benign (2). Last evaluated 2026-04-10.

Conditions:
DICER1-related tumor predisposition. Also called: DICER1 syndrome; DICER1-related pleuropulmonary blastoma cancer predisposition syndrome. Identifiers: Orphanet 284343, MedGen C3839822, MONDO:0100216.

Allele frequency attached by ClinVar (database versions not stated): TOPMed 0.00001; gnomAD exomes below 0.00001; gnomAD 0.00003.

Submissions (2):

Myriad Genetics, Inc.
Classification: Likely benign for DICER1-related tumor predisposition. Last evaluated: 2026-04-10. Review status: criteria provided, single submitter. Criteria: Myriad Autosomal Dominant, Autosomal Recessive and X-Linked Classification Criteria (2023). Collection method: clinical testing. Allele origin: unknown.
Comment: This variant is considered likely benign. This variant is intronic and is not expected to impact mRNA splicing.

Labcorp Genetics (formerly Invitae), Labcorp
Classification: Likely benign for DICER1-related tumor predisposition. Last evaluated: 2025-03-24. Review status: criteria provided, single submitter. Criteria: Invitae Variant Classification Sherloc (09022015). Collection method: clinical testing. Allele origin: germline.